The following is an entry in ClinVar:

NM_006015.6(ARID1A):c.3764G>A (p.Gly1255Glu)

Gene: ARID1A (AT-rich interaction domain 1A; plus strand). Cytogenetic location: 1p36.11.
Variant type: single nucleotide variant.
Coding change: c.3764G>A on transcript NM_006015.6 (MANE Select); coding-DNA position 3764, G replaced by A.
Protein change: p.Gly1255Glu; replaces glycine 1255 with glutamic acid.
Molecular consequence: missense variant.
Genome position (GRCh38, 1-based): chr1:26,773,394, G>A. VCF-style: chr1-26773394-G-A. GRCh37 (hg19) VCF-style: chr1-27099885-G-A.
Other names: c.3764G>A (LRG_875t1); c.3764G>A, p.Gly1255Glu (NM_139135.4); short protein forms G1255E.
Identifiers: ClinVar variation 427049 (VCV000427049.2), dbSNP rs1085307923, ClinGen allele CA339168557.

ClinVar aggregate classification (germline): Likely pathogenic (1 of 4 stars; one submission).

Submission:

GeneDx
Classification: Likely pathogenic. Last evaluated: 2015-07-23. Review status: criteria provided, single submitter. Criteria: GeneDx Variant Classification (06012015). Collection method: clinical testing. Allele origin: germline. Affected: yes.
Comment: The G1255E variant in the ARID1A gene has not been published as a pathogenic variant, nor has it been reported as a benign polymorphism to our knowledge. The G1255E variant was not observed in approximately 6500 individuals of European and African American ancestry in the NHLBI Exome Sequencing Project, indicating it is not a common benign variant in these populations. The G1255E variant is a non-conservative amino acid substitution, which is likely to impact secondary protein structure as these residues differ in polarity, charge, size and/or other properties. This substitution occurs at a position that is conserved in mammals. In silico analysis is inconsistent in its predictions as to whether or not the variant is damaging to the protein structure/function. Therefore, the G1255E variant is a strong candidate for a disease-causing variant however the possibility it may be a rare benign variant cannot be excluded.